The following is an entry in ClinVar:

NM_018124.4(RFWD3):c.797C>G (p.Ser266Cys)

Gene: RFWD3 (ring finger and WD repeat domain 3; minus strand). Cytogenetic location: 16q23.1.
Variant type: single nucleotide variant.
Coding change: c.797C>G on transcript NM_018124.4 (MANE Select); coding-DNA position 797, C replaced by G.
Protein change: p.Ser266Cys; replaces serine 266 with cysteine.
Molecular consequence: missense variant. On other transcripts: 5 prime UTR variant (5).
Genome position (GRCh38, 1-based): chr16:74,644,731, G>C on the plus strand (C>G on the coding strand, the complement: RFWD3 is on the minus strand). VCF-style: chr16-74644731-G-C. GRCh37 (hg19) VCF-style: chr16-74678629-G-C.
Other names: c.797C>G, p.Ser266Cys (NM_001370534.1, NM_001370535.1, NM_001370536.1); c.-38C>G (NM_001370537.1, NM_001370539.1, NM_001370540.1 and 2 more transcripts); short protein forms S266C.
Identifiers: ClinVar variation 3432565 (VCV003432565.3).

ClinVar aggregate classification (germline): Uncertain significance. Review status: criteria provided, multiple submitters, no conflicts (2 of 4 stars). 2 submissions from 2 submitters: Uncertain significance (2). Last evaluated 2025-07-06.

gnomAD v4.1: 11 of 1,605,524 alleles (0.00069%); highest among the groups gnomAD compares: Non-Finnish European, 0.00094%; no homozygotes.

Submissions (2):

Labcorp Genetics (formerly Invitae), Labcorp
Classification: Uncertain significance. Last evaluated: 2025-07-06. Review status: criteria provided, single submitter. Criteria: Invitae Variant Classification Sherloc (09022015). Collection method: clinical testing. Allele origin: germline.
Comment: This sequence change replaces serine, which is neutral and polar, with cysteine, which is neutral and slightly polar, at codon 266 of the RFWD3 protein (p.Ser266Cys). This variant is not present in population databases (gnomAD no frequency). This variant has not been reported in the literature in individuals affected with RFWD3-related conditions. ClinVar contains an entry for this variant (Variation ID: 3432565). An algorithm developed to predict the effect of missense changes on protein structure and function (PolyPhen-2) suggests that this variant is likely to be disruptive. In summary, the available evidence is currently insufficient to determine the role of this variant in disease. Therefore, it has been classified as a Variant of Uncertain Significance.

Ambry Genetics
Classification: Uncertain significance. Last evaluated: 2024-11-13. Review status: criteria provided, single submitter. Criteria: Ambry Variant Classification Scheme 2023. Collection method: clinical testing. Allele origin: germline.